The following is an entry in ClinVar:

NM_003954.5(MAP3K14):c.555C>T (p.Leu185=)

Gene: MAP3K14 (mitogen-activated protein kinase kinase kinase 14; minus strand). Cytogenetic location: 17q21.31.
Variant type: single nucleotide variant.
Coding change: c.555C>T on transcript NM_003954.5 (MANE Select); coding-DNA position 555, C replaced by T.
Protein change: p.Leu185=; no amino-acid change (leucine 185 retained).
Molecular consequence: synonymous variant.
Genome position (GRCh38, 1-based): chr17:45,287,028, G>A on the plus strand (C>T on the coding strand, the complement: MAP3K14 is on the minus strand). VCF-style: chr17-45287028-G-A. GRCh37 (hg19) VCF-style: chr17-43364394-G-A.
Other names: c.555C>T, p.Leu185= (LRG_1222t1).
Identifiers: ClinVar variation 544332 (VCV000544332.36), dbSNP rs191629489, ClinGen allele CA8614316.
Genomic context (GRCh38, chr17:45,287,028, plus strand): 5'-AAGGCCTGGTTCCTTCAGAGGCTTGGTGAACTGCGGGGTGTTTCTAACATATGGGGCGCC[G>A]AGTGGAGACTCATCCTCCTGCGGGGGGAAACACAGCTATCAGCACAGAGGGCCAGGGCCC-3'
Protein context (NP_003945.2, residues 175-195): TIPVQEDESP[Leu185=]GAPYVRNTPQ

ClinVar aggregate classification (germline): Likely benign. Review status: criteria provided, multiple submitters, no conflicts (2 of 4 stars). 3 submissions from 3 submitters: Likely benign (3). Last evaluated 2025-11-19.

Conditions:
NIK deficiency. Also called: Primary immunodeficiency with multifaceted aberrant lymphoid immunity. Identifiers: Orphanet 447731, MedGen C5680065, MONDO:0018642.

Allele frequency attached by ClinVar (database versions not stated): gnomAD 0.00009 and 0.00011; TOPMed 0.00009; ExAC 0.00015; gnomAD exomes 0.00018 and 0.00024; 1000 Genomes Project 0.00020; 1000 Genomes Project 30x 0.00031.
gnomAD v4.1: 364 of 1,612,028 alleles (0.023%); highest among the groups gnomAD compares: South Asian, 0.027%; 1 homozygote.

Submissions (3):

Labcorp Genetics (formerly Invitae), Labcorp
Classification: Likely benign for NIK deficiency. Last evaluated: 2025-11-19. Review status: criteria provided, single submitter. Criteria: Invitae Variant Classification Sherloc (09022015). Collection method: clinical testing. Allele origin: germline.

Blueprint Genetics
Classification: Likely benign. Last evaluated: 2024-11-22. Review status: criteria provided, single submitter. Criteria: ACMG Guidelines, 2015. Collection method: clinical testing. Allele origin: germline.

CeGaT Center for Human Genetics Tuebingen
Classification: Likely benign. Last evaluated: 2022-08-01. Review status: criteria provided, single submitter. Criteria: CeGaT Center For Human Genetics Tuebingen Variant Classification Criteria Version 2. Collection method: clinical testing. Allele origin: germline. Affected: yes. Observed: 2 variant alleles.
Comment: MAP3K14: BP4, BP7